The following is an entry in ClinVar:

NM_153026.3(PRICKLE1):c.1571_1573dup (p.Leu524dup)

Gene: PRICKLE1 (prickle planar cell polarity protein 1; minus strand). Cytogenetic location: 12q12.
Variant type: Duplication.
Coding change: c.1571_1573dup on transcript NM_153026.3 (MANE Select); coding-DNA positions 1571 to 1573, 3 bases duplicated (TGT; older notation c.1571_1573dupTGT).
Protein change: p.Leu524dup; duplicates leucine 524.
Molecular consequence: inframe insertion.
Genome position (GRCh38, 1-based): chr12:42,464,461-42,464,463, ACA duplicated on the plus strand (TGT on the coding strand, the reverse complement: PRICKLE1 is on the minus strand). VCF-style (leftmost placement, unchanged base first): chr12-42464460-G-GACA. GRCh37 (hg19) VCF-style: chr12-42858262-G-GACA.
Other names: c.1571_1573dup, p.Leu524dup (NM_001144881.2, NM_001144882.2, NM_001144883.2).
Identifiers: ClinVar variation 954561 (VCV000954561.9), dbSNP rs1937998007, ClinGen allele CA1139662602.

ClinVar aggregate classification (germline): Uncertain significance (1 of 4 stars; one submission).

Conditions:
Epilepsy, progressive myoclonic, 1B. Also called: PME. Identifiers: Orphanet 308, MedGen C2676254, MONDO:0012904, OMIM 612437.

Submission:

Labcorp Genetics (formerly Invitae), Labcorp
Classification: Uncertain significance for Epilepsy, progressive myoclonic, 1B. Last evaluated: 2019-10-16. Review status: criteria provided, single submitter. Criteria: Invitae Variant Classification Sherloc (09022015). Collection method: clinical testing. Allele origin: germline.
Comment: This variant is not present in population databases (ExAC no frequency). This variant, c.1571_1573dup, results in the insertion of 1 amino acid(s) to the PRICKLE1 protein (p.Leu524dup), but otherwise preserves the integrity of the reading frame. In summary, the available evidence is currently insufficient to determine the role of this variant in disease. Therefore, it has been classified as a Variant of Uncertain Significance. Experimental studies and prediction algorithms are not available or were not evaluated for this variant, and the functional significance of this variant is currently unknown. This variant has not been reported in the literature in individuals with PRICKLE1-related conditions.